The following is an entry in ClinVar:

ClinVar aggregate classification (germline): Uncertain significance. Review status: criteria provided, multiple submitters, no conflicts (2 of 4 stars). 4 submissions from 4 submitters: Uncertain significance (4). Last evaluated 2025-11-22.

Conditions:
Hereditary cancer-predisposing syndrome. Also called: Hereditary Cancer Syndrome; Neoplastic Syndromes, Hereditary; Tumor predisposition; Hereditary neoplastic syndrome. Identifiers: Orphanet 140162, MedGen C0027672, MeSH D009386, MONDO:0015356.
Hereditary nonpolyposis colorectal neoplasms. Identifiers: MedGen C0009405, MeSH D003123.

Allele frequency attached by ClinVar (database versions not stated): gnomAD exomes below 0.00001; gnomAD 0.00001.
gnomAD v4.1: 2 of 1,614,228 alleles (0.00012%); highest among the groups gnomAD compares: Middle Eastern, 0.033%; no homozygotes.

Submissions (4):

Labcorp Genetics (formerly Invitae), Labcorp
Classification: Uncertain significance for Hereditary nonpolyposis colorectal neoplasms. Last evaluated: 2025-11-22. Review status: criteria provided, single submitter. Criteria: Invitae Variant Classification Sherloc (09022015). Collection method: clinical testing. Allele origin: germline.
Comment: This sequence change replaces isoleucine, which is neutral and non-polar, with threonine, which is neutral and polar, at codon 608 of the MSH6 protein (p.Ile608Thr). This variant is not present in population databases (gnomAD no frequency). This variant has not been reported in the literature in individuals affected with MSH6-related conditions. ClinVar contains an entry for this variant (Variation ID: 479969). Invitae Evidence Modeling of protein sequence and biophysical properties (such as structural, functional, and spatial information, amino acid conservation, physicochemical variation, residue mobility, and thermodynamic stability) indicates that this missense variant is not expected to disrupt MSH6 protein function with a negative predictive value of 95%. In summary, the available evidence is currently insufficient to determine the role of this variant in disease. Therefore, it has been classified as a Variant of Uncertain Significance.

Center for Genomic Medicine, Rigshospitalet, Copenhagen University Hospital
Classification: Uncertain significance. Last evaluated: 2025-03-04. Review status: criteria provided, single submitter. Criteria: ACMG Guidelines, 2015. Collection method: clinical testing. Allele origin: germline.

Ambry Genetics
Classification: Uncertain significance for Hereditary cancer-predisposing syndrome. Last evaluated: 2025-02-07. Review status: criteria provided, single submitter. Criteria: Ambry Variant Classification Scheme 2023. Collection method: clinical testing. Allele origin: germline.
Comment: The p.I608T variant (also known as c.1823T>C), located in coding exon 4 of the MSH6 gene, results from a T to C substitution at nucleotide position 1823. The isoleucine at codon 608 is replaced by threonine, an amino acid with similar properties. This amino acid position is not well conserved in available vertebrate species. In addition, the in silico prediction for this alteration is inconclusive. Based on the available evidence, the clinical significance of this variant remains unclear.

Quest Diagnostics Nichols Institute San Juan Capistrano
Classification: Uncertain significance. Last evaluated: 2024-03-15. Review status: criteria provided, single submitter. Criteria: Quest Diagnostics criteria. Collection method: clinical testing. Allele origin: unknown.
Comment: The MSH6 c.1823T>C (p.Ile608Thr) variant has not been reported in individuals with MSH6-related conditions in the published literature. The frequency of this variant in the general population, 0.0000066 (1/152232 chromosomes (Genome Aggregation Database)), is uninformative in the assessment of its pathogenicity. Analysis of this variant using bioinformatics tools for the prediction of the effect of amino acid changes on protein structure and function yielded predictions that this variant is damaging. Based on the available information, we are unable to determine the clinical significance of this variant.

NM_000179.3(MSH6):c.1823T>C (p.Ile608Thr)

Gene: MSH6 (mutS homolog 6; plus strand). Cytogenetic location: 2p16.3.
Variant type: single nucleotide variant.
Coding change: c.1823T>C on transcript NM_000179.3 (MANE Select); coding-DNA position 1823, T replaced by C.
Protein change: p.Ile608Thr; replaces isoleucine 608 with threonine.
Molecular consequence: missense variant.
Genome position (GRCh38, 1-based): chr2:47,799,806, T>C. VCF-style: chr2-47799806-T-C. GRCh37 (hg19) VCF-style: chr2-48026945-T-C.
Other names: c.1433T>C, p.Ile478Thr (NM_001281492.2); c.917T>C, p.Ile306Thr (NM_001281493.2, NM_001281494.2); short protein forms I608T, I306T, I478T.
Identifiers: ClinVar variation 479969 (VCV000479969.11), dbSNP rs1553413208, ClinGen allele CA346749466.